The following is an entry in ClinVar:

NM_004006.3(DMD):c.914C>T (p.Ala305Val)

Gene: DMD (dystrophin; minus strand). Cytogenetic location: Xp21.1.
Variant type: single nucleotide variant.
Coding change: c.914C>T on transcript NM_004006.3 (MANE Select); coding-DNA position 914, C replaced by T.
Protein change: p.Ala305Val; replaces alanine 305 with valine.
Molecular consequence: missense variant.
Genome position (GRCh38, 1-based): chrX:32,697,916, G>A on the plus strand (C>T on the coding strand, the complement: DMD is on the minus strand). VCF-style: chrX-32697916-G-A. GRCh37 (hg19) VCF-style: chrX-32716033-G-A.
Other names: c.890C>T, p.Ala297Val (NM_000109.4); c.902C>T, p.Ala301Val (NM_004009.3); c.545C>T, p.Ala182Val (NM_004010.3); short protein forms A305V, A301V, A297V, A182V.
Identifiers: ClinVar variation 289485 (VCV000289485.11), dbSNP rs886044188, ClinGen allele CA10606459.

ClinVar aggregate classification (germline): Uncertain significance. Review status: criteria provided, multiple submitters, no conflicts (2 of 4 stars). 2 submissions from 2 submitters: Uncertain significance (2). Last evaluated 2025-06-29.

Conditions:
Duchenne muscular dystrophy (DMD). Also called: Duchenne Muscular Dystrophy (DMD); MUSCULAR DYSTROPHY, PSEUDOHYPERTROPHIC PROGRESSIVE, DUCHENNE TYPE. Identifiers: Orphanet 98896, MedGen C0013264, MONDO:0010679, OMIM 310200.

Allele frequency attached by ClinVar (database versions not stated): gnomAD exomes below 0.00001.
gnomAD v4.1: 2 of 1,209,465 alleles (0.00017%); highest among the groups gnomAD compares: East Asian, 0.003%; no homozygotes.

Submissions (2):

Labcorp Genetics (formerly Invitae), Labcorp
Classification: Uncertain significance for Duchenne muscular dystrophy. Last evaluated: 2025-06-29. Review status: criteria provided, single submitter. Criteria: Invitae Variant Classification Sherloc (09022015). Collection method: clinical testing. Allele origin: germline.
Comment: This sequence change replaces alanine, which is neutral and non-polar, with valine, which is neutral and non-polar, at codon 305 of the DMD protein (p.Ala305Val). This variant is not present in population databases (gnomAD no frequency). This missense change has been observed in individual(s) with clinical features of DMD-related conditions (PMID: 21520333). ClinVar contains an entry for this variant (Variation ID: 289485). Invitae Evidence Modeling of protein sequence and biophysical properties (such as structural, functional, and spatial information, amino acid conservation, physicochemical variation, residue mobility, and thermodynamic stability) indicates that this missense variant is not expected to disrupt DMD protein function with a negative predictive value of 95%. In summary, the available evidence is currently insufficient to determine the role of this variant in disease. Therefore, it has been classified as a Variant of Uncertain Significance.

Eurofins Ntd Llc (ga)
Classification: Uncertain significance. Last evaluated: 2016-07-25. Review status: criteria provided, single submitter. Criteria: EGL Classification Definitions 2015. Collection method: clinical testing. Allele origin: germline. Observed: 1 variant allele, 1 hemizygote.

Literature cited by the submitters: PubMed 21520333 (cited by Labcorp Genetics (formerly Invitae), Labcorp).